The following is an entry in ClinVar:

NM_001348716.2(KDM6B):c.1119C>T (p.Ser373=)

Gene: KDM6B (lysine demethylase 6B; plus strand). Cytogenetic location: 17p13.1.
Variant type: single nucleotide variant.
Coding change: c.1119C>T on transcript NM_001348716.2 (MANE Select); coding-DNA position 1119, C replaced by T.
Protein change: p.Ser373=; no amino-acid change (serine 373 retained).
Molecular consequence: synonymous variant.
Genome position (GRCh38, 1-based): chr17:7,847,314, C>T. VCF-style: chr17-7847314-C-T. GRCh37 (hg19) VCF-style: chr17-7750632-C-T.
Other names: c.1119C>T, p.Ser373= (NM_001080424.2).
Identifiers: ClinVar variation 2647395 (VCV002647395.24), dbSNP rs752061478, ClinGen allele CA8360512.

ClinVar aggregate classification (germline): Likely benign (1 of 4 stars; one submission).

Allele frequency attached by ClinVar (database versions not stated): gnomAD 0.00001.
gnomAD v4.1: 26 of 1,607,746 alleles (0.0016%); highest among the groups gnomAD compares: East Asian, 0.0045%; no homozygotes.

Submission:

CeGaT Center for Human Genetics Tuebingen
Classification: Likely benign. Last evaluated: 2022-07-01. Review status: criteria provided, single submitter. Criteria: CeGaT Center For Human Genetics Tuebingen Variant Classification Criteria Version 2. Collection method: clinical testing. Allele origin: germline. Affected: yes. Observed: 1 variant allele.
Comment: KDM6B: BP4, BP7